The following is an entry in ClinVar:

ClinVar aggregate classification (germline): Uncertain significance. Review status: criteria provided, single submitter (1 of 4 stars). 2 submissions from 2 submitters: Uncertain significance (1). 1 of the submissions does not count toward it. Last evaluated 2022-08-09.

Conditions:
GLYCTK-related disorder. Also called: GLYCTK-related condition.

Allele frequency attached by ClinVar (database versions not stated): gnomAD exomes 0.00007; ExAC 0.00023; ESP Exome Variant Server 0.00038; gnomAD 0.00044; TOPMed 0.00056; 1000 Genomes Project 0.00100; 1000 Genomes Project 30x 0.00109.

Submissions (2):

Labcorp Genetics (formerly Invitae), Labcorp
Classification: Uncertain significance. Last evaluated: 2022-08-09. Review status: criteria provided, single submitter. Criteria: Invitae Variant Classification Sherloc (09022015). Collection method: clinical testing. Allele origin: germline.
Comment: This sequence change replaces threonine, which is neutral and polar, with isoleucine, which is neutral and non-polar, at codon 466 of the GLYCTK protein (p.Thr466Ile). This variant is present in population databases (rs145897189, gnomAD 0.2%). This variant has not been reported in the literature in individuals affected with GLYCTK-related conditions. Algorithms developed to predict the effect of missense changes on protein structure and function (SIFT, PolyPhen-2, Align-GVGD) all suggest that this variant is likely to be tolerated. In summary, the available evidence is currently insufficient to determine the role of this variant in disease. Therefore, it has been classified as a Variant of Uncertain Significance.

PreventionGenetics, part of Exact Sciences
Classification: Likely benign for GLYCTK-related condition. Last evaluated: 2022-10-31. Review status: no assertion criteria provided. Collection method: clinical testing. Allele origin: germline. Not counted in ClinVar's aggregate classification.
Comment: This variant is classified as likely benign based on ACMG/AMP sequence variant interpretation guidelines (Richards et al. 2015 PMID: 25741868, with internal and published modifications).

NM_145262.4(GLYCTK):c.1397C>T (p.Thr466Ile)

Gene: GLYCTK (glycerate kinase; plus strand). Cytogenetic location: 3p21.2.
Variant type: single nucleotide variant.
Coding change: c.1397C>T on transcript NM_145262.4 (MANE Select); coding-DNA position 1397, C replaced by T.
Protein change: p.Thr466Ile; replaces threonine 466 with isoleucine.
Molecular consequence: missense variant. On other transcripts: 3 prime UTR variant (1), non-coding transcript variant (2).
Genome position (GRCh38, 1-based): chr3:52,292,951, C>T. VCF-style: chr3-52292951-C-T. GRCh37 (hg19) VCF-style: chr3-52326967-C-T.
Other names: c.*516C>T (NM_001144951.2); c.1397C>T (NM_145262.3); short protein forms T466I.
Identifiers: ClinVar variation 2071228 (VCV002071228.3), dbSNP rs145897189, ClinGen allele CA2432318.
Genomic context (GRCh38, chr3:52,292,951, plus strand): 5'-TTTTGAGCGGTGGCACCGATGGGCAGGATGGGCCCACAGAGGCTGCTGGGGCCTGGGTCA[C>T]ACCTGAGCTTGCCAGCCAGGCTGCAGCTGAGGGCCTGGACATAGCCACCTTCCTAGCCCA-3'
Protein context (NP_660305.2, residues 456-476): GPTEAAGAWV[Thr466Ile]PELASQAAAE